The following is an entry in ClinVar:

NM_000719.7(CACNA1C):c.5200G>A (p.Gly1734Ser)

Genes: CACNA1C (calcium voltage-gated channel subunit alpha1 C; plus strand), CACNA1C-AS1 (CACNA1C antisense RNA 1; minus strand). Cytogenetic location: 12p13.33.
Variant type: single nucleotide variant.
Coding change: c.5200G>A on transcript NM_000719.7 (MANE Select); coding-DNA position 5200, G replaced by A.
Protein change: p.Gly1734Ser; replaces glycine 1734 with serine.
Molecular consequence: missense variant.
Genome position (GRCh38, 1-based): chr12:2,679,552, G>A. VCF-style: chr12-2679552-G-A. GRCh37 (hg19) VCF-style: chr12-2788718-G-A.
Other names: c.5344G>A, p.Gly1782Ser (NM_001129827.2, NM_199460.4); c.5323G>A, p.Gly1775Ser (NM_001129829.2); c.5200G>A, p.Gly1734Ser (NM_001129830.3, NM_001129840.2, NM_001129841.2 and 4 more transcripts); c.5284G>A, p.Gly1762Ser (NM_001129831.2); c.5260G>A, p.Gly1754Ser (NM_001129832.2); c.5257G>A, p.Gly1753Ser (NM_001129833.2, NM_001129834.2, NM_001129835.2); c.5251G>A, p.Gly1751Ser (NM_001129836.2); c.5224G>A, p.Gly1742Ser (NM_001129837.2, NM_001129838.2); and 3 more; short protein forms G1753S, G1775S, G1740S, G1723S, G1734S, G1742S, G1754S, G1762S.
Identifiers: ClinVar variation 1746039 (VCV001746039.2), dbSNP rs2532521404, ClinGen allele CA383378703.

ClinVar aggregate classification (germline): Uncertain significance (1 of 4 stars; one submission).

Conditions:
Cardiovascular phenotype. Identifiers: MedGen CN230736.

Allele frequency attached by ClinVar (database versions not stated): gnomAD exomes below 0.00001.
gnomAD v4.1: 2 of 1,613,412 alleles (0.00012%); highest among the groups gnomAD compares: Admixed American, 0.0017%; no homozygotes.

Submission:

Ambry Genetics
Classification: Uncertain significance for Cardiovascular phenotype. Last evaluated: 2020-10-15. Review status: criteria provided, single submitter. Criteria: Ambry Variant Classification Scheme 2023. Collection method: clinical testing. Allele origin: germline.
Comment: The p.G1734S variant (also known as c.5200G>A), located in coding exon 42 of the CACNA1C gene, results from a G to A substitution at nucleotide position 5200. The glycine at codon 1734 is replaced by serine, an amino acid with similar properties. This missense alteration is located in a region that has a low rate of benign missense variation (Lek M et al. Nature. 2016 Aug 18;536(7616):285-91; DECIPHER: Database of Chromosomal Imbalance and Phenotype in Humans using Ensembl Resources. Firth H.V. et al. 2009. Am.J.Hum.Genet. 84, 524-533 (DOI)). This amino acid position is well conserved in available vertebrate species; however, serine is the reference amino acid in other vertebrate species. In addition, this alteration is predicted to be tolerated by in silico analysis. Since supporting evidence is limited at this time, the clinical significance of this alteration remains unclear.